The following is an entry in ClinVar:

NM_007194.4(CHEK2):c.1009-5T>A

Gene: CHEK2 (checkpoint kinase 2; minus strand). Cytogenetic location: 22q12.1.
Variant type: single nucleotide variant.
Coding change: c.1009-5T>A on transcript NM_007194.4 (MANE Select); 5 bases into the intron before coding-DNA position 1009, T replaced by A.
Molecular consequence: intron variant.
Genome position (GRCh38, 1-based): chr22:28,696,992, A>T on the plus strand (T>A on the coding strand, the complement: CHEK2 is on the minus strand). VCF-style: chr22-28696992-A-T. GRCh37 (hg19) VCF-style: chr22-29092980-A-T.
Other names: c.346-5T>A (NM_001437942.1, NM_001257387.3); c.808-5T>A (NM_001349956.3); c.1009-1119T>A (NM_145862.3); c.1102-1119T>A (NM_001438295.1); c.1102-5T>A (NM_001438293.1); c.1138-1119T>A (NM_001438294.1); c.1138-5T>A (NM_001005735.3).
Identifiers: ClinVar variation 530060 (VCV000530060.9), dbSNP rs1555914393, ClinGen allele CA658799509.
Genomic context (GRCh38, chr22:28,696,992, plus strand): 5'-AGTAAAACATTCTCTGGCTTTAAGTCACGGTGTATAATACCGTTTTCATGAAGGTACTAC[A>T]CAGAAAGGCAGGCATGACCCTCAGATTCATGCAGTAGATACTTAAGTAGAATCAAAGTTA-3'

ClinVar aggregate classification (germline): Uncertain significance (1 of 4 stars; one submission).

Conditions:
Familial cancer of breast. Also called: BREAST CANCER, FAMILIAL; Hereditary breast cancer; hereditary breast carcinoma. Identifiers: Orphanet 227535, MedGen C0346153, MONDO:0016419, OMIM 114480. Disease mechanism: loss of function.

Submission:

Labcorp Genetics (formerly Invitae), Labcorp
Classification: Uncertain significance for Familial cancer of breast. Last evaluated: 2022-07-25. Review status: criteria provided, single submitter. Criteria: Invitae Variant Classification Sherloc (09022015). Collection method: clinical testing. Allele origin: germline.
Comment: Algorithms developed to predict the effect of sequence changes on RNA splicing suggest that this variant may disrupt the consensus splice site. In summary, the available evidence is currently insufficient to determine the role of this variant in disease. Therefore, it has been classified as a Variant of Uncertain Significance. ClinVar contains an entry for this variant (Variation ID: 530060). This variant has not been reported in the literature in individuals affected with CHEK2-related conditions. This variant is not present in population databases (gnomAD no frequency). This sequence change falls in intron 9 of the CHEK2 gene. It does not directly change the encoded amino acid sequence of the CHEK2 protein.